The following is an entry in ClinVar:

ClinVar aggregate classification (germline): Uncertain significance (1 of 4 stars; one submission).

Conditions:
Cardiovascular phenotype. Identifiers: MedGen CN230736.

Submission:

Ambry Genetics
Classification: Uncertain significance for Cardiovascular phenotype. Last evaluated: 2026-02-10. Review status: criteria provided, single submitter. Criteria: Ambry Variant Classification Scheme 2023. Collection method: clinical testing. Allele origin: germline.
Comment: The p.S1005W variant (also known as c.3014C>G), located in coding exon 20 of the FLNC gene, results from a C to G substitution at nucleotide position 3014. The serine at codon 1005 is replaced by tryptophan, an amino acid with highly dissimilar properties. This amino acid position is well conserved in available vertebrate species. In addition, this alteration is predicted to be deleterious by in silico analysis. Based on the available evidence, the clinical significance of this variant remains unclear.

NM_001458.5(FLNC):c.3014C>G (p.Ser1005Trp)

Gene: FLNC (filamin C; plus strand). Cytogenetic location: 7q32.1.
Variant type: single nucleotide variant.
Coding change: c.3014C>G on transcript NM_001458.5 (MANE Select); coding-DNA position 3014, C replaced by G.
Protein change: p.Ser1005Trp; replaces serine 1005 with tryptophan.
Molecular consequence: missense variant.
Genome position (GRCh38, 1-based): chr7:128,844,088, C>G. VCF-style: chr7-128844088-C-G. GRCh37 (hg19) VCF-style: chr7-128484142-C-G.
Other names: c.3014C>G, p.Ser1005Trp (NM_001127487.2); short protein forms S1005W.
Identifiers: ClinVar variation 4824281 (VCV004824281.1).